The following is an entry in ClinVar:

ClinVar aggregate classification (germline): Pathogenic (1 of 4 stars; one submission).

Conditions:
Predisposition to invasive fungal disease due to CARD9 deficiency (IMD103). Also called: Candidiasis, familial, 2, autosomal recessive; CARD9 IMMUNODEFICIENCY; IMMUNODEFICIENCY 103, SUSCEPTIBILITY TO FUNGAL INFECTIONS. Identifiers: Orphanet 457088, MedGen C1859353, MONDO:0008905, OMIM 212050.

Submission:

Labcorp Genetics (formerly Invitae), Labcorp
Classification: Pathogenic for Predisposition to invasive fungal disease due to CARD9 deficiency. Last evaluated: 2022-07-02. Review status: criteria provided, single submitter. Criteria: Invitae Variant Classification Sherloc (09022015). Collection method: clinical testing. Allele origin: germline.
Comment: This sequence change creates a premature translational stop signal (p.Tyr91*) in the CARD9 gene. It is expected to result in an absent or disrupted protein product. Loss-of-function variants in CARD9 are known to be pathogenic (PMID: 19864672, 24131138, 24231284). This variant is not present in population databases (gnomAD no frequency). This variant has not been reported in the literature in individuals affected with CARD9-related conditions. For these reasons, this variant has been classified as Pathogenic.

Literature cited by the submitters: PubMed 19864672; PubMed 24131138; PubMed 24231284.

NM_052813.5(CARD9):c.273C>G (p.Tyr91Ter)

Gene: CARD9 (caspase recruitment domain family member 9; minus strand). Cytogenetic location: 9q34.3.
Variant type: single nucleotide variant.
Coding change: c.273C>G on transcript NM_052813.5 (MANE Select); coding-DNA position 273, C replaced by G.
Protein change: p.Tyr91Ter; replaces tyrosine 91 with a stop codon.
Molecular consequence: nonsense.
Genome position (GRCh38, 1-based): chr9:136,371,373, G>C on the plus strand (C>G on the coding strand, the complement: CARD9 is on the minus strand). VCF-style: chr9-136371373-G-C. GRCh37 (hg19) VCF-style: chr9-139265825-G-C.
Other names: c.273C>G, p.Tyr91Ter (NM_052814.4); short protein forms Y91*.
Identifiers: ClinVar variation 2013317 (VCV002013317.4), dbSNP rs766061901, ClinGen allele CA375545960.